The following is an entry in ClinVar:

ClinVar aggregate classification (germline): Uncertain significance (1 of 4 stars; one submission).

Conditions:
Diamond-Blackfan anemia. Also called: Blackfan Diamond syndrome; Aregenerative anemia chronic congenital; Red cell aplasia, pure hereditary; Congenital hypoplastic anemia; Aase syndrome. Identifiers: Orphanet 124, MedGen C1260899, MeSH D029503, MONDO:0015253, HP:0004810.

Submission:

Labcorp Genetics (formerly Invitae), Labcorp
Classification: Uncertain significance for Diamond-Blackfan anemia. Last evaluated: 2025-06-02. Review status: criteria provided, single submitter. Criteria: Invitae Variant Classification Sherloc (09022015). Collection method: clinical testing. Allele origin: germline.
Comment: This sequence change falls in intron 3 of the RPL11 gene. It does not directly change the encoded amino acid sequence of the RPL11 protein. It affects a nucleotide within the consensus splice site. This variant is not present in population databases (gnomAD no frequency). This variant has not been reported in the literature in individuals affected with RPL11-related conditions. Variants that disrupt the consensus splice site are a relatively common cause of aberrant splicing (PMID: 17576681, 9536098). Algorithms developed to predict the effect of sequence changes on RNA splicing suggest that this variant is not likely to affect RNA splicing. In summary, the available evidence is currently insufficient to determine the role of this variant in disease. Therefore, it has been classified as a Variant of Uncertain Significance.

Literature cited by the submitters: PubMed 17576681; PubMed 9536098.

NM_000975.5(RPL11):c.264+3G>C

Gene: RPL11 (ribosomal protein L11; plus strand). Cytogenetic location: 1p36.11.
Variant type: single nucleotide variant.
Coding change: c.264+3G>C on transcript NM_000975.5 (MANE Select); 3 bases into the intron after coding-DNA position 264, G replaced by C.
Molecular consequence: intron variant.
Genome position (GRCh38, 1-based): chr1:23,693,916, G>C. VCF-style: chr1-23693916-G-C. GRCh37 (hg19) VCF-style: chr1-24020406-G-C.
Other names: c.261+3G>C (NM_001199802.1).
Identifiers: ClinVar variation 4803782 (VCV004803782.1).